The following is an entry in ClinVar:

ClinVar aggregate classification (germline): Uncertain significance (1 of 4 stars; one submission).

Conditions:
Cardiovascular phenotype. Identifiers: MedGen CN230736.

gnomAD v4.1: 2 of 1,614,076 alleles (0.00012%); highest among the groups gnomAD compares: African/African-American, 0.0027%; no homozygotes.

Submission:

Ambry Genetics
Classification: Uncertain significance for Cardiovascular phenotype. Last evaluated: 2025-06-10. Review status: criteria provided, single submitter. Criteria: Ambry Variant Classification Scheme 2023. Collection method: clinical testing. Allele origin: germline.
Comment: The p.E2760K variant (also known as c.8278G>A), located in coding exon 33 of the AKAP9 gene, results from a G to A substitution at nucleotide position 8278. The glutamic acid at codon 2760 is replaced by lysine, an amino acid with similar properties. This amino acid position is conserved. In addition, this alteration is predicted to be tolerated by in silico analysis. Based on the available evidence, the clinical significance of this variant remains unclear.

NM_005751.5(AKAP9):c.8278G>A (p.Glu2760Lys)

Gene: AKAP9 (A-kinase anchoring protein 9; plus strand). Cytogenetic location: 7q21.2.
Variant type: single nucleotide variant.
Coding change: c.8278G>A on transcript NM_005751.5 (MANE Select); coding-DNA position 8278, G replaced by A.
Protein change: p.Glu2760Lys; replaces glutamic acid 2760 with lysine.
Molecular consequence: missense variant.
Genome position (GRCh38, 1-based): chr7:92,083,287, G>A. VCF-style: chr7-92083287-G-A. GRCh37 (hg19) VCF-style: chr7-91712601-G-A.
Other names: c.2923G>A, p.Glu975Lys (NM_001379277.1); c.8254G>A, p.Glu2752Lys (NM_147185.3); short protein forms E975K, E2760K, E2752K.
Identifiers: ClinVar variation 4034277 (VCV004034277.1).